The following is an entry in ClinVar:

NM_004525.3(LRP2):c.8149T>C (p.Trp2717Arg)

Gene: LRP2 (LDL receptor related protein 2; minus strand). Cytogenetic location: 2q31.1.
Variant type: single nucleotide variant.
Coding change: c.8149T>C on transcript NM_004525.3 (MANE Select); coding-DNA position 8149, T replaced by C.
Protein change: p.Trp2717Arg; replaces tryptophan 2717 with arginine.
Molecular consequence: missense variant.
Genome position (GRCh38, 1-based): chr2:169,202,816, A>G on the plus strand (T>C on the coding strand, the complement: LRP2 is on the minus strand). VCF-style: chr2-169202816-A-G. GRCh37 (hg19) VCF-style: chr2-170059326-A-G.
Other names: short protein forms W2717R.
Identifiers: ClinVar variation 3539650 (VCV003539650.3).
Genomic context (GRCh38, chr2:169,202,816, plus strand): 5'-CACAGACACTTTCCATCTCATCACTGCCATCCCCACAGTCGTTGTCATTATCACACTTCC[A>G]CTCTTCCGAGATGCAGCGCCCATTGGAGCAGGTGAAGGAAGATGCACCACATCGTTCACC-3'
Protein context (NP_004516.2, residues 2707-2727): CSNGRCISEE[Trp2717Arg]KCDNDNDCGD

ClinVar aggregate classification (germline): Uncertain significance. Review status: criteria provided, multiple submitters, no conflicts (2 of 4 stars). 3 submissions from 3 submitters: Uncertain significance (3). Last evaluated 2025-09-17.

Conditions:
LRP2-related disorder. Also called: LRP2-related condition.
Inborn genetic diseases. Identifiers: MedGen C0950123, MeSH D030342.

gnomAD v4.1: 52 of 1,613,172 alleles (0.0032%); highest among the groups gnomAD compares: South Asian, 0.049%; no homozygotes.

Submissions (3):

PreventionGenetics, part of Exact Sciences
Classification: Uncertain significance for LRP2-related condition. Last evaluated: 2025-09-17. Review status: criteria provided, single submitter. Criteria: ACMG Guidelines, 2015. Collection method: clinical testing. Allele origin: germline.
Comment: The LRP2 c.8149T>C variant is predicted to result in the amino acid substitution p.Trp2717Arg. To our knowledge, this variant has not been reported in the literature. This variant is reported in 0.042% of alleles in individuals of South Asian descent in gnomAD. At this time, the clinical significance of this variant is uncertain due to the absence of conclusive functional and genetic evidence.

Ambry Genetics
Classification: Uncertain significance for Inborn genetic diseases. Last evaluated: 2024-09-10. Review status: criteria provided, single submitter. Criteria: Ambry Variant Classification Scheme 2023. Collection method: clinical testing. Allele origin: germline.

Blueprint Genetics
Classification: Uncertain significance. Last evaluated: 2023-04-10. Review status: criteria provided, single submitter. Criteria: ACMG Guidelines, 2015. Collection method: clinical testing. Allele origin: germline.